The following is an entry in ClinVar:

ClinVar aggregate classification (germline): Uncertain significance (1 of 4 stars; one submission).

Conditions:
Gorlin syndrome. Also called: Nevoid Basal Cell Carcinoma Syndrome; Basal cell nevus syndrome. Identifiers: Orphanet 377, MedGen C0004779, MONDO:0007187.

Submission:

Labcorp Genetics (formerly Invitae), Labcorp
Classification: Uncertain significance for Gorlin syndrome. Last evaluated: 2023-08-30. Review status: criteria provided, single submitter. Criteria: Invitae Variant Classification Sherloc (09022015). Collection method: clinical testing. Allele origin: germline.
Comment: Variants that disrupt the consensus splice site are a relatively common cause of aberrant splicing (PMID: 17576681, 9536098). Algorithms developed to predict the effect of sequence changes on RNA splicing suggest that this variant is not likely to affect RNA splicing. In summary, the available evidence is currently insufficient to determine the role of this variant in disease. Therefore, it has been classified as a Variant of Uncertain Significance. This variant has not been reported in the literature in individuals affected with PTCH1-related conditions. This variant is not present in population databases (gnomAD no frequency). This sequence change falls in intron 9 of the PTCH1 gene. It does not directly change the encoded amino acid sequence of the PTCH1 protein. It affects a nucleotide within the consensus splice site.

Literature cited by the submitters: PubMed 17576681; PubMed 9536098.

NM_000264.5(PTCH1):c.1347+6G>C

Gene: PTCH1 (patched 1; minus strand). Cytogenetic location: 9q22.32.
Variant type: single nucleotide variant.
Coding change: c.1347+6G>C on transcript NM_000264.5 (MANE Select); 6 bases into the intron after coding-DNA position 1347, G replaced by C.
Molecular consequence: intron variant.
Genome position (GRCh38, 1-based): chr9:95,478,049, C>G on the plus strand (G>C on the coding strand, the complement: PTCH1 is on the minus strand). VCF-style: chr9-95478049-C-G. GRCh37 (hg19) VCF-style: chr9-98240331-C-G.
Other names: c.1149+6G>C (NM_001083602.3); c.1347+6G>C (NM_001354918.2); c.894+6G>C (NM_001083605.3, NM_001083604.3, NM_001083606.3 and 1 more transcripts); c.1344+6G>C (NM_001083603.3).
Identifiers: ClinVar variation 2756459 (VCV002756459.3), dbSNP rs372655486, ClinGen allele CA2697557860.